The following is an entry in ClinVar:

ClinVar aggregate classification (germline): Pathogenic (1 of 4 stars; one submission).

Conditions:
TH-deficient dopa-responsive dystonia. Also called: Tyrosine Hydroxylase-Deficient Dopa-Responsive Dystonia; Segawa syndrome, autosomal recessive; DYT-TH. Identifiers: Orphanet 101150, MedGen C2673535, MONDO:0011551, OMIM 605407.

Submission:

Labcorp Genetics (formerly Invitae), Labcorp
Classification: Pathogenic for TH-deficient dopa-responsive dystonia. Last evaluated: 2021-12-11. Review status: criteria provided, single submitter. Criteria: Invitae Variant Classification Sherloc (09022015). Collection method: clinical testing. Allele origin: germline.
Comment: This variant has not been reported in the literature in individuals affected with TH-related conditions. For these reasons, this variant has been classified as Pathogenic. This variant disrupts a region of the TH protein in which other variant(s) (p.Val499Met) have been determined to be pathogenic (PMID: 29724574, 33072517). This suggests that this is a clinically significant region of the protein, and that variants that disrupt it are likely to be disease-causing. This variant is not present in population databases (gnomAD no frequency). This sequence change creates a premature translational stop signal (p.Tyr478*) in the TH gene. While this is not anticipated to result in nonsense mediated decay, it is expected to disrupt the last 51 amino acid(s) of the TH protein.

Literature cited by the submitters: PubMed 29724574; PubMed 33072517.

NM_000360.4(TH):c.1341T>A (p.Tyr447Ter)

Gene: TH (tyrosine hydroxylase; minus strand). Cytogenetic location: 11p15.5.
Variant type: single nucleotide variant.
Coding change: c.1341T>A on transcript NM_000360.4 (MANE Select); coding-DNA position 1341, T replaced by A.
Protein change: p.Tyr447Ter; replaces tyrosine 447 with a stop codon.
Molecular consequence: nonsense.
Genome position (GRCh38, 1-based): chr11:2,164,386, A>T on the plus strand (T>A on the coding strand, the complement: TH is on the minus strand). VCF-style: chr11-2164386-A-T. GRCh37 (hg19) VCF-style: chr11-2185616-A-T.
Other names: c.1434T>A, p.Tyr478Ter (NM_199292.3); c.1422T>A, p.Tyr474Ter (NM_199293.3); short protein forms Y447*, Y474*, Y478*.
Identifiers: ClinVar variation 2039753 (VCV002039753.4), dbSNP rs1442860813, ClinGen allele CA379124661.